The following is an entry in ClinVar:

ClinVar aggregate classification (germline): Uncertain significance (1 of 4 stars; one submission).

Conditions:
Primary immunodeficiency with post-measles-mumps-rubella vaccine viral infection. Also called: Immunodeficiency 44. Identifiers: Orphanet 431166, MedGen C4225260, MONDO:0014715, OMIM 616636.

gnomAD v4.1: 1 of 1,614,086 alleles (0.000062%); highest among the groups gnomAD compares: Non-Finnish European, 0.000085%; no homozygotes.

Submission:

Labcorp Genetics (formerly Invitae), Labcorp
Classification: Uncertain significance for Immunodeficiency 44. Last evaluated: 2019-07-03. Review status: criteria provided, single submitter. Criteria: Invitae Variant Classification Sherloc (09022015). Collection method: clinical testing. Allele origin: germline.
Comment: This sequence change replaces alanine with threonine at codon 36 of the STAT2 protein (p.Ala36Thr). The alanine residue is highly conserved and there is a small physicochemical difference between alanine and threonine. This variant is not present in population databases (ExAC no frequency). This variant has not been reported in the literature in individuals with STAT2-related conditions. Algorithms developed to predict the effect of missense changes on protein structure and function are either unavailable or do not agree on the potential impact of this missense change (SIFT: "Tolerated"; PolyPhen-2: "Probably Damaging"; Align-GVGD: "Class C0"). In summary, the available evidence is currently insufficient to determine the role of this variant in disease. Therefore, it has been classified as a Variant of Uncertain Significance.

NM_005419.4(STAT2):c.106G>A (p.Ala36Thr)

Gene: STAT2 (signal transducer and activator of transcription 2; minus strand). Cytogenetic location: 12q13.3.
Variant type: single nucleotide variant.
Coding change: c.106G>A on transcript NM_005419.4 (MANE Select); coding-DNA position 106, G replaced by A.
Protein change: p.Ala36Thr; replaces alanine 36 with threonine.
Molecular consequence: missense variant.
Genome position (GRCh38, 1-based): chr12:56,356,466, C>T on the plus strand (G>A on the coding strand, the complement: STAT2 is on the minus strand). VCF-style: chr12-56356466-C-T. GRCh37 (hg19) VCF-style: chr12-56750250-C-T.
Other names: c.106G>A, p.Ala36Thr (NM_198332.2); short protein forms A36T.
Identifiers: ClinVar variation 939347 (VCV000939347.1), dbSNP rs1879530120, ClinGen allele CA385264118.